The following is an entry in ClinVar:

NM_001243133.2(NLRP3):c.2804T>G (p.Leu935Trp)

Gene: NLRP3 (NLR family pyrin domain containing 3; plus strand). Cytogenetic location: 1q44.
Variant type: single nucleotide variant.
Coding change: c.2804T>G on transcript NM_001243133.2 (MANE Select); coding-DNA position 2804, T replaced by G.
Protein change: p.Leu935Trp; replaces leucine 935 with tryptophan.
Molecular consequence: missense variant.
Genome position (GRCh38, 1-based): chr1:247,444,112, T>G. VCF-style: chr1-247444112-T-G. GRCh37 (hg19) VCF-style: chr1-247607414-T-G.
Other names: c.2804T>G, p.Leu935Trp (NM_001079821.3); c.2633T>G, p.Leu878Trp (NM_001127461.3, NM_001127462.3); c.2810T>G, p.Leu937Trp (NM_004895.5); c.2462T>G, p.Leu821Trp (NM_183395.3); short protein forms L935W, L821W, L878W, L937W.
Identifiers: ClinVar variation 1980033 (VCV001980033.4), dbSNP rs1303141754, ClinGen allele CA345565269.

ClinVar aggregate classification (germline): Uncertain significance (1 of 4 stars; one submission).

Conditions:
Cryopyrin associated periodic syndrome (CAPS). Identifiers: Orphanet 208650, MedGen C2316212, MONDO:0016168.

Allele frequency attached by ClinVar (database versions not stated): gnomAD exomes below 0.00001; gnomAD 0.00001; TOPMed 0.00001.

Submission:

Labcorp Genetics (formerly Invitae), Labcorp
Classification: Uncertain significance for Cryopyrin associated periodic syndrome. Last evaluated: 2025-06-12. Review status: criteria provided, single submitter. Criteria: Invitae Variant Classification Sherloc (09022015). Collection method: clinical testing. Allele origin: germline.
Comment: This sequence change replaces leucine, which is neutral and non-polar, with tryptophan, which is neutral and slightly polar, at codon 937 of the NLRP3 protein (p.Leu937Trp). This variant is present in population databases (no rsID available, gnomAD 0.01%). This variant has not been reported in the literature in individuals affected with NLRP3-related conditions. ClinVar contains an entry for this variant (Variation ID: 1980033). Invitae Evidence Modeling of protein sequence and biophysical properties (such as structural, functional, and spatial information, amino acid conservation, physicochemical variation, residue mobility, and thermodynamic stability) indicates that this missense variant is not expected to disrupt NLRP3 protein function with a negative predictive value of 95%. In summary, the available evidence is currently insufficient to determine the role of this variant in disease. Therefore, it has been classified as a Variant of Uncertain Significance.